The following is an entry in ClinVar:

NM_006206.6(PDGFRA):c.1310C>T (p.Ala437Val)

Gene: PDGFRA (platelet derived growth factor receptor alpha; plus strand). Cytogenetic location: 4q12.
Variant type: single nucleotide variant.
Coding change: c.1310C>T on transcript NM_006206.6 (MANE Select); coding-DNA position 1310, C replaced by T.
Protein change: p.Ala437Val; replaces alanine 437 with valine.
Molecular consequence: missense variant.
Genome position (GRCh38, 1-based): chr4:54,272,466, C>T. VCF-style: chr4-54272466-C-T. GRCh37 (hg19) VCF-style: chr4-55138633-C-T.
Other names: c.1310C>T, p.Ala437Val (NM_001347827.2, NM_001347829.2); c.1385C>T, p.Ala462Val (NM_001347828.2); c.1349C>T, p.Ala450Val (NM_001347830.2); short protein forms A437V, A450V, A462V.
Identifiers: ClinVar variation 528554 (VCV000528554.14), dbSNP rs1553904029, ClinGen allele CA356892282.

ClinVar aggregate classification (germline): Uncertain significance. Review status: criteria provided, multiple submitters, no conflicts (2 of 4 stars). 2 submissions from 2 submitters: Uncertain significance (2). Last evaluated 2024-05-06.

Conditions:
Hereditary cancer-predisposing syndrome. Also called: Tumor predisposition; Hereditary neoplastic syndrome; Hereditary Cancer Syndrome; Neoplastic Syndromes, Hereditary. Identifiers: Orphanet 140162, MedGen C0027672, MeSH D009386, MONDO:0015356.
Gastrointestinal stromal tumor. Also called: Gastrointestinal stroma tumor; Gastrointestinal stromal tumor, somatic. Identifiers: Orphanet 44890, MedGen C0238198, MeSH D046152, MONDO:0011719, OMIM 606764, HP:0100723.

Allele frequency attached by ClinVar (database versions not stated): gnomAD exomes below 0.00001.
gnomAD v4.1: 2 of 1,613,996 alleles (0.00012%); highest among the groups gnomAD compares: Non-Finnish European, 0.00017%; no homozygotes.

Submissions (2):

Labcorp Genetics (formerly Invitae), Labcorp
Classification: Uncertain significance for Gastrointestinal stromal tumor. Last evaluated: 2024-05-06. Review status: criteria provided, single submitter. Criteria: Invitae Variant Classification Sherloc (09022015). Collection method: clinical testing. Allele origin: germline.
Comment: This sequence change replaces alanine, which is neutral and non-polar, with valine, which is neutral and non-polar, at codon 437 of the PDGFRA protein (p.Ala437Val). This variant is not present in population databases (gnomAD no frequency). This variant has not been reported in the literature in individuals affected with PDGFRA-related conditions. ClinVar contains an entry for this variant (Variation ID: 528554). Advanced modeling of protein sequence and biophysical properties (such as structural, functional, and spatial information, amino acid conservation, physicochemical variation, residue mobility, and thermodynamic stability) performed at Invitae indicates that this missense variant is not expected to disrupt PDGFRA protein function with a negative predictive value of 80%. In summary, the available evidence is currently insufficient to determine the role of this variant in disease. Therefore, it has been classified as a Variant of Uncertain Significance.

Ambry Genetics
Classification: Uncertain significance for Hereditary cancer-predisposing syndrome. Last evaluated: 2024-03-31. Review status: criteria provided, single submitter. Criteria: Ambry Variant Classification Scheme 2023. Collection method: clinical testing. Allele origin: germline.
Comment: The p.A437V variant (also known as c.1310C>T), located in coding exon 8 of the PDGFRA gene, results from a C to T substitution at nucleotide position 1310. The alanine at codon 437 is replaced by valine, an amino acid with similar properties. This amino acid position is conserved. In addition, the in silico prediction for this alteration is inconclusive. Since supporting evidence is limited at this time, the clinical significance of this alteration remains unclear.